The following is an entry in ClinVar:

NM_003839.4(TNFRSF11A):c.1017C>A (p.Ser339Arg)

Gene: TNFRSF11A (TNF receptor superfamily member 11a; plus strand). Cytogenetic location: 18q21.33.
Variant type: single nucleotide variant.
Coding change: c.1017C>A on transcript NM_003839.4 (MANE Select); coding-DNA position 1017, C replaced by A.
Protein change: p.Ser339Arg; replaces serine 339 with arginine.
Molecular consequence: missense variant. On other transcripts: intron variant (3).
Genome position (GRCh38, 1-based): chr18:62,368,934, C>A. VCF-style: chr18-62368934-C-A. GRCh37 (hg19) VCF-style: chr18-60036167-C-A.
Other names: c.975C>A, p.Ser325Arg (NM_001278268.2); c.783+2174C>A (NM_001270949.2); c.730+7141C>A (NM_001270950.2); c.616+8885C>A (NM_001270951.2); short protein forms S339R, S325R.
Identifiers: ClinVar variation 2054102 (VCV002054102.4), dbSNP rs763586080, ClinGen allele CA8983906.

ClinVar aggregate classification (germline): Uncertain significance (1 of 4 stars; one submission).

Allele frequency attached by ClinVar (database versions not stated): TOPMed 0.00002; gnomAD 0.00003; gnomAD exomes 0.00004; ExAC 0.00008.

Submission:

Labcorp Genetics (formerly Invitae), Labcorp
Classification: Uncertain significance. Last evaluated: 2025-06-15. Review status: criteria provided, single submitter. Criteria: Invitae Variant Classification Sherloc (09022015). Collection method: clinical testing. Allele origin: germline.
Comment: This sequence change replaces serine, which is neutral and polar, with arginine, which is basic and polar, at codon 339 of the TNFRSF11A protein (p.Ser339Arg). This variant is present in population databases (rs763586080, gnomAD 0.01%). This variant has not been reported in the literature in individuals affected with TNFRSF11A-related conditions. ClinVar contains an entry for this variant (Variation ID: 2054102). An algorithm developed to predict the effect of missense changes on protein structure and function outputs the following: PolyPhen-2: "Benign". The arginine amino acid residue is found in multiple mammalian species, which suggests that this missense change does not adversely affect protein function. In summary, the available evidence is currently insufficient to determine the role of this variant in disease. Therefore, it has been classified as a Variant of Uncertain Significance.